The following is an entry in ClinVar:

NM_001270.4(CHD1):c.4267C>T (p.Pro1423Ser)

Gene: CHD1 (chromodomain helicase DNA binding protein 1; minus strand). Cytogenetic location: 5q15.
Variant type: single nucleotide variant.
Coding change: c.4267C>T on transcript NM_001270.4 (MANE Select); coding-DNA position 4267, C replaced by T.
Protein change: p.Pro1423Ser; replaces proline 1423 with serine.
Molecular consequence: missense variant. On other transcripts: non-coding transcript variant (1).
Genome position (GRCh38, 1-based): chr5:98,863,568, G>A on the plus strand (C>T on the coding strand, the complement: CHD1 is on the minus strand). VCF-style: chr5-98863568-G-A. GRCh37 (hg19) VCF-style: chr5-98199272-G-A.
Other names: c.4531C>T, p.Pro1511Ser (NM_001364113.3); c.4267C>T, p.Pro1423Ser (NM_001376194.2); short protein forms P1423S, P1511S.
Identifiers: ClinVar variation 3764358 (VCV003764358.1).

ClinVar aggregate classification (germline): Uncertain significance (1 of 4 stars; one submission).

Submission:

GeneDx
Classification: Uncertain significance. Last evaluated: 2024-08-20. Review status: criteria provided, single submitter. Criteria: GeneDx Variant Classification Process June 2021. Collection method: clinical testing. Allele origin: germline. Affected: yes.
Comment: Not observed at significant frequency in large population cohorts (gnomAD); In silico analysis supports that this missense variant has a deleterious effect on protein structure/function; Has not been previously published as pathogenic or benign to our knowledge